The following is an entry in ClinVar:

NM_000416.3(IFNGR1):c.91A>G (p.Thr31Ala)

Gene: IFNGR1 (interferon gamma receptor 1; minus strand). Cytogenetic location: 6q23.3.
Variant type: single nucleotide variant.
Coding change: c.91A>G on transcript NM_000416.3 (MANE Select); coding-DNA position 91, A replaced by G.
Protein change: p.Thr31Ala; replaces threonine 31 with alanine.
Molecular consequence: missense variant. On other transcripts: 5 prime UTR variant (1).
Genome position (GRCh38, 1-based): chr6:137,207,072, T>C on the plus strand (A>G on the coding strand, the complement: IFNGR1 is on the minus strand). VCF-style: chr6-137207072-T-C. GRCh37 (hg19) VCF-style: chr6-137528209-T-C.
Other names: c.61A>G, p.Thr21Ala (NM_001363526.1); c.-33A>G (NM_001363527.1); short protein forms T21A, T31A.
Identifiers: ClinVar variation 2772826 (VCV002772826.3), dbSNP rs2548236716, ClinGen allele CA365776221.

ClinVar aggregate classification (germline): Uncertain significance (1 of 4 stars; one submission).

Conditions:
Disseminated atypical mycobacterial infection. Identifiers: MedGen C0694566.

Submission:

Labcorp Genetics (formerly Invitae), Labcorp
Classification: Uncertain significance for Disseminated atypical mycobacterial infection. Last evaluated: 2023-11-02. Review status: criteria provided, single submitter. Criteria: Invitae Variant Classification Sherloc (09022015). Collection method: clinical testing. Allele origin: germline.
Comment: This sequence change replaces threonine, which is neutral and polar, with alanine, which is neutral and non-polar, at codon 31 of the IFNGR1 protein (p.Thr31Ala). This variant is not present in population databases (gnomAD no frequency). This variant has not been reported in the literature in individuals affected with IFNGR1-related conditions. Advanced modeling of protein sequence and biophysical properties (such as structural, functional, and spatial information, amino acid conservation, physicochemical variation, residue mobility, and thermodynamic stability) performed at Invitae indicates that this missense variant is not expected to disrupt IFNGR1 protein function with a negative predictive value of 80%. In summary, the available evidence is currently insufficient to determine the role of this variant in disease. Therefore, it has been classified as a Variant of Uncertain Significance.